The following is an entry in ClinVar:

ClinVar aggregate classification (germline): Likely benign. Review status: criteria provided, single submitter (1 of 4 stars). 3 submissions from 3 submitters: Likely benign (1). 2 of the submissions do not count toward it. Last evaluated 2021-01-08.

Conditions:
Inborn genetic diseases. Identifiers: MedGen C0950123, MeSH D030342.
Epidermolysis bullosa simplex 3, localized or generalized intermediate, with BP230 deficiency (EBS3). Also called: Epidermolysis bullosa simplex due to BP230 deficiency; Epidermolysis bullosa simplex, autosomal recessive 2. Identifiers: Orphanet 412181, MedGen C3809470, MONDO:0014180, OMIM 615425.

Allele frequency attached by ClinVar (database versions not stated): gnomAD 0.00015; 1000 Genomes Project 30x 0.00062; ExAC 0.00054; TOPMed 0.00005; 1000 Genomes Project 0.00080; gnomAD exomes 0.00026 and 0.00047.
gnomAD v4.1: 331 of 1,367,500 alleles (0.024%); highest among the groups gnomAD compares: South Asian, 0.36%; 2 homozygotes.

Submissions (3):

Ambry Genetics
Classification: Likely benign for Inborn genetic diseases. Last evaluated: 2021-01-08. Review status: criteria provided, single submitter. Criteria: Ambry Variant Classification Scheme 2023. Collection method: clinical testing. Allele origin: germline.

Human Molecular Lab, Hazara University
Classification: Likely benign for Epidermolysis bullosa simplex 3, localized or generalized intermediate, with BP230 deficiency. Last evaluated: 2025-08-01. Review status: no assertion criteria provided. Collection method: clinical testing. Allele origin: germline. Inheritance: Autosomal recessive inheritance. Affected: yes. Observed: 1 variant allele, 1 homozygote. Not counted in ClinVar's aggregate classification.
Comment: The variant c.G224A:p.R75K of the DST gene causes a Epidermolysis bullosa simplex, which has previously been reported in families with an autosomal recessive mode of inheritance. In those families, the variant segregated with the disease, including both affected and unaffected members. According to our study, we observed some novel phenotypes involving the teeth and skin.

Department of Pathology and Laboratory Medicine, Sinai Health System
Classification: Uncertain significance. Review status: no assertion criteria provided. Collection method: clinical testing. Allele origin: unknown. Affected: yes. Study: The Canadian Open Genetics Repository (COGR). Not counted in ClinVar's aggregate classification.
Comment: The DST p.Arg75Lys variant was not identified in the literature nor was it identified in ClinVar. The variant was identified in dbSNP (ID: rs563479643) and in control databases in 116 of 248148 chromosomes at a frequency of 0.0004675 increasing the likelihood this could be a low frequency benign variant (Genome Aggregation Database March 6, 2019, v2.1.1). The variant was observed in the following populations: South Asian in 113 of 30588 chromosomes (freq: 0.003694), Other in 2 of 6038 chromosomes (freq: 0.000331) and Latino in 1 of 34442 chromosomes (freq: 0.000029), but was not observed in the African, Ashkenazi Jewish, East Asian, European (Finnish), or European (non-Finnish) populations. The p.Arg75 residue is not conserved in mammals and computational analyses (SIFT, AlignGVGD, BLOSUM, MutationTaster) do not suggest a high likelihood of impact to the protein; however, this information is not predictive enough to rule out pathogenicity. The variant occurs outside of the splicing consensus sequence and three of four in silico or computational prediction software programs (SpliceSiteFinder, MaxEntScan, NNSPLICE, GeneSplicer) do not predict a greater than 10% difference in splicing; this is not very predictive of pathogenicity. In summary, based on the above information the clinical significance of this variant cannot be determined with certainty at this time. This variant is classified as a variant of uncertain significance.

NM_001374736.1(DST):c.224G>A (p.Arg75Lys)

Gene: DST (dystonin; minus strand). Cytogenetic location: 6p12.1.
Variant type: single nucleotide variant.
Coding change: c.224G>A on transcript NM_001374736.1 (MANE Select); coding-DNA position 224, G replaced by A.
Protein change: p.Arg75Lys; replaces arginine 75 with lysine.
Molecular consequence: missense variant.
Genome position (GRCh38, 1-based): chr6:56,900,614, C>T on the plus strand (G>A on the coding strand, the complement: DST is on the minus strand). VCF-style: chr6-56900614-C-T. GRCh37 (hg19) VCF-style: chr6-56765412-C-T.
Other names: p.R75K; c.224G>A, p.Arg75Lys (NM_001144769.5, NM_001374722.1); c.251G>A, p.Arg84Lys (NM_001374734.1); short protein forms R75K, R84K.
Identifiers: ClinVar variation 1050714 (VCV001050714.3), dbSNP rs563479643, ClinGen allele CA3872028.